The following is an entry in ClinVar:

NM_001243279.3(ACSF3):c.691G>A (p.Ala231Thr)

Gene: ACSF3 (acyl-CoA synthetase family member 3; plus strand). Cytogenetic location: 16q24.3.
Variant type: single nucleotide variant.
Coding change: c.691G>A on transcript NM_001243279.3 (MANE Select); coding-DNA position 691, G replaced by A.
Protein change: p.Ala231Thr; replaces alanine 231 with threonine.
Molecular consequence: missense variant. On other transcripts: 5 prime UTR variant (1), non-coding transcript variant (3).
Genome position (GRCh38, 1-based): chr16:89,102,628, G>A. VCF-style: chr16-89102628-G-A. GRCh37 (hg19) VCF-style: chr16-89169036-G-A.
Other names: c.691G>A, p.Ala231Thr (NM_001127214.4, NM_174917.5); c.-105G>A (NM_001284316.2); short protein forms A231T.
Identifiers: ClinVar variation 969057 (VCV000969057.8), dbSNP rs765454020, ClinGen allele CA8237763.

ClinVar aggregate classification (germline): Uncertain significance. Review status: criteria provided, single submitter (1 of 4 stars). 2 submissions from 2 submitters: Uncertain significance (1). 1 of the submissions does not count toward it. Last evaluated 2022-05-06.

Conditions:
Combined malonic and methylmalonic acidemia. Identifiers: Orphanet 289504, MedGen C3280314, MONDO:0013661, OMIM 614265.

Allele frequency attached by ClinVar (database versions not stated): TOPMed 0.00001; ExAC 0.00004.
gnomAD v4.1: 16 of 1,613,836 alleles (0.00099%); highest among the groups gnomAD compares: Admixed American, 0.027%; no homozygotes.

Submissions (2):

Labcorp Genetics (formerly Invitae), Labcorp
Classification: Uncertain significance for Combined malonic and methylmalonic acidemia. Last evaluated: 2022-05-06. Review status: criteria provided, single submitter. Criteria: Invitae Variant Classification Sherloc (09022015). Collection method: clinical testing. Allele origin: germline.
Comment: This sequence change replaces alanine, which is neutral and non-polar, with threonine, which is neutral and polar, at codon 231 of the ACSF3 protein (p.Ala231Thr). This variant is present in population databases (rs765454020, gnomAD 0.04%). This variant has not been reported in the literature in individuals affected with ACSF3-related conditions. ClinVar contains an entry for this variant (Variation ID: 969057). Advanced modeling of protein sequence and biophysical properties (such as structural, functional, and spatial information, amino acid conservation, physicochemical variation, residue mobility, and thermodynamic stability) performed at Invitae indicates that this missense variant is expected to disrupt ACSF3 protein function. In summary, the available evidence is currently insufficient to determine the role of this variant in disease. Therefore, it has been classified as a Variant of Uncertain Significance.

Natera, Inc.
Classification: Uncertain significance for Combined malonic and methylmalonic aciduria. Last evaluated: 2021-10-12. Review status: no assertion criteria provided. Collection method: clinical testing. Allele origin: germline. Not counted in ClinVar's aggregate classification.